The following is an entry in ClinVar:

ClinVar aggregate classification (germline): Pathogenic. Review status: criteria provided, multiple submitters, no conflicts (2 of 4 stars). 5 submissions from 5 submitters: Pathogenic (4). 1 of the submissions does not count toward it. Last evaluated 2024-08-12.

Conditions:
Neuronal ceroid lipofuscinosis. Also called: Neuronal Ceroid Lipofuscinoses. Identifiers: Orphanet 216, Orphanet 79263, MedGen C0027877, MONDO:0016295. Disease mechanism: loss of function.
Neuronal ceroid lipofuscinosis 3 (CLN3). Identifiers: Orphanet 228346, MedGen C0751383, MONDO:0008767, OMIM 204200.
Juvenile neuronal ceroid lipofuscinosis. Also called: Batten Disease. Identifiers: Orphanet 79264, MedGen CN293564, MONDO:0019262.

Allele frequency attached by ClinVar (database versions not stated): TOPMed below 0.00001; gnomAD 0.00001; gnomAD exomes 0.00001; ExAC 0.00003.

Submissions (5):

Natera, Inc.
Classification: Pathogenic for Batten Disease. Last evaluated: 2024-08-12. Review status: criteria provided, single submitter. Criteria: Natera Variant Classification Schema (03/2026). Collection method: clinical testing. Allele origin: germline.
Comment: The c.622dupT variant in CLN3 is a frameshift variant predicted to shift the reading frame beginning at codon 208 and leads to a stop codon 28 codons downstream. This variant is expected to result in nonsense mediated decay, truncation, or a dysfunctional protein product. This variant is rare in the general population with a frequency below the threshold expected for the associated phenotype(s). This variant has been observed in one or more individuals affected with the associated recessive disease, as either homozygous or compound heterozygous with a second variant (PMID: 37338096, 21499717, 36011402). Given the available evidence, this variant is classified as Pathogenic.

Labcorp Genetics (formerly Invitae), Labcorp
Classification: Pathogenic for Neuronal ceroid lipofuscinosis. Last evaluated: 2024-01-12. Review status: criteria provided, single submitter. Criteria: Invitae Variant Classification Sherloc (09022015). Collection method: clinical testing. Allele origin: germline.
Comment: This sequence change creates a premature translational stop signal (p.Ser208Phefs*28) in the CLN3 gene. It is expected to result in an absent or disrupted protein product. Loss-of-function variants in CLN3 are known to be pathogenic (PMID: 9311735, 28542676). This variant is present in population databases (rs386833736, gnomAD 0.003%). This premature translational stop signal has been observed in individual(s) with Juvenile neuronal ceroid lipofuscinosis (PMID: 21499717). This variant is also known as c.622_623insT. ClinVar contains an entry for this variant (Variation ID: 56287). For these reasons, this variant has been classified as Pathogenic.

Baylor Genetics
Classification: Pathogenic for Neuronal ceroid lipofuscinosis 3. Last evaluated: 2023-11-27. Review status: criteria provided, single submitter. Criteria: ACMG Guidelines, 2015. Collection method: clinical testing. Allele origin: unknown.

Revvity Omics, Revvity
Classification: Pathogenic for Neuronal ceroid lipofuscinosis 3. Last evaluated: 2022-10-24. Review status: criteria provided, single submitter. Criteria: ACMG Guidelines, 2015. Collection method: clinical testing. Allele origin: germline.

Juha Muilu Group; Institute for Molecular Medicine Finland (FIMM)
Classification: Likely pathogenic for Juvenile neuronal ceroid lipofuscinosis. Review status: no assertion criteria provided. Collection method: not provided. Allele origin: unknown. Not counted in ClinVar's aggregate classification.
Comment: FinDis database variant: This variant was not found or characterized by our laboratory, data were collected from public sources: see reference
ClinVar note: Converted during submission from probable-pathogenic to Likely pathogenic.

Literature cited by the submitters: PubMed 37338096 (cited by Natera, Inc.); PubMed 21499717 (cited by Natera, Inc. and Labcorp Genetics (formerly Invitae), Labcorp); PubMed 36011402 (cited by Natera, Inc.); PubMed 9311735 (cited by Labcorp Genetics (formerly Invitae), Labcorp); PubMed 28542676 (cited by Labcorp Genetics (formerly Invitae), Labcorp).

NM_001042432.2(CLN3):c.622dup (p.Ser208fs)

Gene: CLN3 (CLN3 lysosomal/endosomal transmembrane protein, battenin; minus strand). Cytogenetic location: 16p12.1.
Variant type: Duplication.
Coding change: c.622dup on transcript NM_001042432.2 (MANE Select); coding-DNA position 622, one base duplicated (T; older notation c.622dupT).
Protein change: p.Ser208fs; shifts the reading frame from serine 208.
Molecular consequence: frameshift variant.
Genome position (GRCh38, 1-based): chr16:28,486,402, A duplicated on the plus strand (T on the coding strand, the reverse complement: CLN3 is on the minus strand). VCF-style (leftmost placement, unchanged base first): chr16-28486401-G-GA. GRCh37 (hg19) VCF-style: chr16-28497722-G-GA.
Other names: c.622dup, p.Ser208fs (NM_000086.2); c.550dup, p.Ser184fs (NM_001286104.2); c.322dup, p.Ser108fs (NM_001286105.2); c.388dup, p.Ser130fs (NM_001286109.2); c.460dup, p.Ser154fs (NM_001286110.2); c.622dupT (NM_001042432.1, NM_000086.2); c.622dup (NM_001042432.1); short protein forms S130fs, S184fs, S208fs, S108fs, S154fs.
Identifiers: ClinVar variation 56287 (VCV000056287.15), dbSNP rs386833736, ClinGen allele CA263723.
Genomic context (GRCh38, chr16:28,486,401, plus strand): 5'-GCTCACCTGGCCAGCAGCAGGGCAGGGATACCCAGCATGGACAGCAGGGTCTGCTGAGGG[G>GA]AGAGGCCGGCCTGGGTGAGGCCCAGGTAGGACAGGGCCCCCAGCAGCCCAGCTCCCCCAG-3'